The following is an entry in ClinVar:

ClinVar aggregate classification (germline): Uncertain significance (1 of 4 stars; one submission).

gnomAD v4.1: 1 of 1,592,968 alleles (0.000063%); highest among the groups gnomAD compares: African/African-American, 0.0013%; no homozygotes.

Submission:

GeneDx
Classification: Uncertain significance. Last evaluated: 2025-05-12. Review status: criteria provided, single submitter. Criteria: GeneDx Variant Classification Process June 2021. Collection method: clinical testing. Allele origin: germline. Affected: yes.
Comment: Not observed at significant frequency in large population cohorts (gnomAD); In silico analysis supports that this missense variant has a deleterious effect on protein structure/function; Has not been previously published as pathogenic or benign to our knowledge

NM_005909.5(MAP1B):c.56A>T (p.Asn19Ile)

Gene: MAP1B (microtubule associated protein 1B; plus strand). Cytogenetic location: 5q13.2.
Variant type: single nucleotide variant.
Coding change: c.56A>T on transcript NM_005909.5 (MANE Select); coding-DNA position 56, A replaced by T.
Protein change: p.Asn19Ile; replaces asparagine 19 with isoleucine.
Molecular consequence: missense variant.
Genome position (GRCh38, 1-based): chr5:72,107,587, A>T. VCF-style: chr5-72107587-A-T. GRCh37 (hg19) VCF-style: chr5-71403414-A-T.
Other names: short protein forms N19I.
Identifiers: ClinVar variation 4529806 (VCV004529806.1).
Genomic context (GRCh38, chr5:72,107,587, plus strand): 5'-GCAGGATGGCGACCGTGGTGGTGGAAGCCACCGAGCCGGAGCCGTCCGGCAGCATCGCCA[A>T]CCCGGCGGCGTCCACCTCGCCTAGCCTGTCGCACCGCTTCCTTGACAGCAAGTTCTACTT-3'
Protein context (NP_005900.2, residues 9-29): TEPEPSGSIA[Asn19Ile]PAASTSPSLS